The following is an entry in ClinVar:

ClinVar aggregate classification (germline): Benign/Likely benign. Review status: criteria provided, multiple submitters, no conflicts (2 of 4 stars). 7 submissions from 6 submitters: Benign (3); Likely benign (3). 1 of the submissions does not count toward it. Last evaluated 2026-01-28.

Conditions:
Mitochondrial complex I deficiency, nuclear type 1. Also called: NADH-COENZYME Q REDUCTASE DEFICIENCY; MITOCHONDRIAL NADH DEHYDROGENASE COMPONENT OF COMPLEX I, DEFICIENCY OF. Identifiers: MedGen C6022305, MONDO:0100224, OMIM 252010.
Leigh syndrome (NULS). Also called: LEIGH SYNDROME, NUCLEAR; Leigh Disease; Leigh's necrotizing encephalopathy; Leigh's disease; Leigh Syndrome (mtDNA deletion); Subacute necrotizing encephalopathy. Identifiers: Orphanet 506, MedGen C2931891, MONDO:0009723, OMIM 256000.
NDUFA10-related disorder. Also called: NDUFA10-related condition.

Allele frequency attached by ClinVar (database versions not stated): gnomAD exomes 0.00088 and 0.00220; ExAC 0.00273; 1000 Genomes Project 0.00759; 1000 Genomes Project 30x 0.00843; gnomAD 0.00864 and 0.00925; TOPMed 0.00983; ESP Exome Variant Server 0.01023.
gnomAD v4.1: 2,637 of 1,614,156 alleles (0.16%); highest among the groups gnomAD compares: African/African-American, 3.1%; 33 homozygotes.

Submissions (7):

Labcorp Genetics (formerly Invitae), Labcorp
Classification: Benign. Last evaluated: 2026-01-28. Review status: criteria provided, single submitter. Criteria: Invitae Variant Classification Sherloc (09022015). Collection method: clinical testing. Allele origin: germline.

Mayo Clinic Laboratories, Mayo Clinic
Classification: Likely benign. Last evaluated: 2025-06-18. Review status: criteria provided, single submitter. Criteria: ACMG Guidelines, 2015. Collection method: clinical testing. Allele origin: germline. Observed: 9 variant alleles.
Comment: BS1, BS2

Illumina Laboratory Services, Illumina
Classification: Likely benign for Mitochondrial complex I deficiency, nuclear type 1. Last evaluated: 2018-01-13. Review status: criteria provided, single submitter. Criteria: ICSL Variant Classification Criteria 13 December 2019. Collection method: clinical testing. Allele origin: germline.
Comment: This variant was observed in the ICSL laboratory as part of a predisposition screen in an ostensibly healthy population. It had not been previously curated by ICSL or reported in the Human Gene Mutation Database (HGMD: prior to June 1st, 2018), and was therefore a candidate for classification through an automated scoring system. Utilizing variant allele frequency, disease prevalence and penetrance estimates, and inheritance mode, an automated score was calculated to assess if this variant is too frequent to cause the disease. Based on the score and internal cut-off values, a variant classified as likely benign is not then subjected to further curation. The score for this variant resulted in a classification of likely benign for this disease.

Illumina Laboratory Services, Illumina
Classification: Benign for Leigh syndrome. Last evaluated: 2018-01-13. Review status: criteria provided, single submitter. Criteria: ICSL Variant Classification Criteria 13 December 2019. Collection method: clinical testing. Allele origin: germline.
Comment: This variant was observed in the ICSL laboratory as part of a predisposition screen in an ostensibly healthy population. It had not been previously curated by ICSL or reported in the Human Gene Mutation Database (HGMD: prior to June 1st, 2018), and was therefore a candidate for classification through an automated scoring system. Utilizing variant allele frequency, disease prevalence and penetrance estimates, and inheritance mode, an automated score was calculated to assess if this variant is too frequent to cause the disease. Based on the score and internal cut-off values, a variant classified as benign is not then subjected to further curation. The score for this variant resulted in a classification of benign for this disease.

GeneDx
Classification: Benign. Last evaluated: 2014-10-06. Review status: criteria provided, single submitter. Criteria: GeneDx Variant Classification (06012015). Collection method: clinical testing. Allele origin: germline. Affected: yes.
Comment: This variant is considered likely benign or benign based on one or more of the following criteria: it is a conservative change, it occurs at a poorly conserved position in the protein, it is predicted to be benign by multiple in silico algorithms, and/or has population frequency not consistent with disease.

Breakthrough Genomics
Classification: Likely benign. Review status: criteria provided, single submitter. Criteria: ACMG Guidelines, 2015. Collection method: not provided. Allele origin: germline. Inheritance: Autosomal recessive inheritance. Affected: yes.

PreventionGenetics, part of Exact Sciences
Classification: Benign for NDUFA10-related condition. Last evaluated: 2020-01-13. Review status: no assertion criteria provided. Collection method: clinical testing. Allele origin: germline. Not counted in ClinVar's aggregate classification.
Comment: This variant is classified as benign based on ACMG/AMP sequence variant interpretation guidelines (Richards et al. 2015 PMID: 25741868, with internal and published modifications).

NM_004544.4(NDUFA10):c.194A>G (p.Asn65Ser)

Gene: NDUFA10 (NADH:ubiquinone oxidoreductase subunit A10; minus strand). Cytogenetic location: 2q37.3.
Variant type: single nucleotide variant.
Coding change: c.194A>G on transcript NM_004544.4 (MANE Select); coding-DNA position 194, A replaced by G.
Protein change: p.Asn65Ser; replaces asparagine 65 with serine.
Molecular consequence: missense variant. On other transcripts: non-coding transcript variant (3).
Genome position (GRCh38, 1-based): chr2:240,022,222, T>C on the plus strand (A>G on the coding strand, the complement: NDUFA10 is on the minus strand). VCF-style: chr2-240022222-T-C. GRCh37 (hg19) VCF-style: chr2-240961639-T-C.
Other names: p.N65S:AAT>AGT; p.Asn65Ser; c.194A>G, p.Asn65Ser (NM_001322019.2, NM_001322020.2); short protein forms N65S.
Identifiers: ClinVar variation 214697 (VCV000214697.18), dbSNP rs35715497, ClinGen allele CA320001.